The following is an entry in ClinVar:

ClinVar aggregate classification (germline): Uncertain significance (1 of 4 stars; one submission).

Submission:

Ambry Genetics
Classification: Uncertain significance. Last evaluated: 2025-07-07. Review status: criteria provided, single submitter. Criteria: Ambry Variant Classification Scheme 2023. Collection method: clinical testing. Allele origin: germline.
Comment: The p.G619V variant (also known as c.1856G>T), located in coding exon 8 of the WNK2 gene, results from a G to T substitution at nucleotide position 1856. The glycine at codon 619 is replaced by valine, an amino acid with dissimilar properties. This amino acid position is conserved. In addition, this alteration is predicted to be deleterious by in silico analysis. Based on the available evidence, the clinical significance of this variant remains unclear.

NM_006648.4(WNK2):c.1856G>T (p.Gly619Val)

Gene: WNK2 (WNK lysine deficient protein kinase 2; plus strand). Cytogenetic location: 9q22.31.
Variant type: single nucleotide variant.
Coding change: c.1856G>T on transcript NM_006648.4 (MANE Select); coding-DNA position 1856, G replaced by T.
Protein change: p.Gly619Val; replaces glycine 619 with valine.
Molecular consequence: missense variant.
Genome position (GRCh38, 1-based): chr9:93,252,904, G>T. VCF-style: chr9-93252904-G-T. GRCh37 (hg19) VCF-style: chr9-96015186-G-T.
Other names: c.1856G>T, p.Gly619Val (NM_001282394.3); short protein forms G619V.
Identifiers: ClinVar variation 4201597 (VCV004201597.1).